The following is an entry in ClinVar:

ClinVar aggregate classification (germline): Conflicting classifications of pathogenicity. Review status: criteria provided, conflicting classifications (1 of 4 stars). 2 submissions from 2 submitters: Uncertain significance (1); Likely benign (1). Last evaluated 2026-07-31.

Conditions:
Renal cell carcinoma. Identifiers: Orphanet 217071, MedGen C0007134, MeSH D002292, MONDO:0005086, HP:0005584.
Hereditary cancer-predisposing syndrome. Also called: Hereditary Cancer Syndrome; Neoplastic Syndromes, Hereditary; Hereditary neoplastic syndrome; Tumor predisposition. Identifiers: Orphanet 140162, MedGen C0027672, MeSH D009386, MONDO:0015356.

gnomAD v4.1: 1 of 1,614,112 alleles (0.000062%); highest among the groups gnomAD compares: Non-Finnish European, 0.000085%; no homozygotes.

Submissions (2):

Ambry Genetics
Classification: Likely benign for Hereditary cancer-predisposing syndrome. Last evaluated: 2026-07-31. Review status: criteria provided, single submitter. Criteria: Ambry Variant Classification Scheme 2023. Collection method: clinical testing. Allele origin: germline.

Labcorp Genetics (formerly Invitae), Labcorp
Classification: Uncertain significance for Renal cell carcinoma. Last evaluated: 2021-08-22. Review status: criteria provided, single submitter. Criteria: Invitae Variant Classification Sherloc (09022015). Collection method: clinical testing. Allele origin: germline.
Comment: This variant is not present in population databases (ExAC no frequency). This sequence change replaces leucine with methionine at codon 403 of the MET protein (p.Leu403Met). The leucine residue is moderately conserved and there is a small physicochemical difference between leucine and methionine. This variant has not been reported in the literature in individuals affected with MET-related conditions. Algorithms developed to predict the effect of missense changes on protein structure and function are either unavailable or do not agree on the potential impact of this missense change (SIFT: "Tolerated"; PolyPhen-2: "Possibly Damaging"; Align-GVGD: "Class C0"). In summary, the available evidence is currently insufficient to determine the role of this variant in disease. Therefore, it has been classified as a Variant of Uncertain Significance.

NM_000245.4(MET):c.1207C>A (p.Leu403Met)

Gene: MET (MET proto-oncogene, receptor tyrosine kinase; plus strand). Cytogenetic location: 7q31.2.
Variant type: single nucleotide variant.
Coding change: c.1207C>A on transcript NM_000245.4 (MANE Select); coding-DNA position 1207, C replaced by A.
Protein change: p.Leu403Met; replaces leucine 403 with methionine.
Molecular consequence: missense variant. On other transcripts: 5 prime UTR variant (1).
Genome position (GRCh38, 1-based): chr7:116,731,674, C>A. VCF-style: chr7-116731674-C-A. GRCh37 (hg19) VCF-style: chr7-116371728-C-A.
Other names: c.1207C>A, p.Leu403Met (NM_001127500.3, NM_001324401.3); c.-84C>A (NM_001324402.2); short protein forms L403M.
Identifiers: ClinVar variation 1376779 (VCV001376779.9), dbSNP rs202236031, ClinGen allele CA368972684.
Genomic context (GRCh38, chr7:116,731,674, plus strand): 5'-CCAGCTTGTTCATGTCTGGATTCACATTAACTCTATGACCATATTTTATTCCAGACACTT[C>A]TGAGAAATTCATCAGGCTGTGAAGCGCGCCGTGATGAATATCGAACAGAGTTTACCACAG-3'
Protein context (NP_000236.2, residues 393-413): NHEHCFNRTL[Leu403Met]RNSSGCEARR